The following is an entry in ClinVar:

ClinVar aggregate classification (germline): Conflicting classifications of pathogenicity. Review status: criteria provided, conflicting classifications (1 of 4 stars). 26 submissions from 22 submitters: Uncertain significance (3); Benign (8); Likely benign (8). 7 of the submissions do not count toward it. Last evaluated 2026-09-01.

Conditions:
Dilated cardiomyopathy 1G (CMD1G). Identifiers: Orphanet 154, MedGen C1858763, MONDO:0011400, OMIM 604145.
Autosomal recessive limb-girdle muscular dystrophy type 2J (LGMDR10). Also called: MUSCULAR DYSTROPHY, LIMB-GIRDLE, AUTOSOMAL RECESSIVE 10; Limb-girdle muscular dystrophy, type 2J. Identifiers: Orphanet 140922, MedGen C1837342, MONDO:0012127, OMIM 608807.
Cardiovascular phenotype. Identifiers: MedGen CN230736.
Cardiomyopathy (CMYO). Also called: Cardiomyopathies. Identifiers: Orphanet 167848, MedGen C0878544, MONDO:0004994, HP:0001638. Inheritance: Various modes of inheritance.
Early-onset myopathy with fatal cardiomyopathy (CMYO5). Also called: CONGENITAL MYOPATHY 5 WITH CARDIOMYOPATHY; Salih Myopathy. Identifiers: Orphanet 289377, MedGen C2673677, MONDO:0012714, OMIM 611705. Disease mechanism: loss of function.
Myopathy, myofibrillar, 9, with early respiratory failure (MFM9). Also called: Myopathy, distal, with early respiratory failure, autosomal dominant; Hereditary myopathy with early respiratory failure; MYOPATHY, PROXIMAL, WITH EARLY RESPIRATORY MUSCLE INVOLVEMENT; EDSTROM MYOPATHY. Identifiers: Orphanet 178464, Orphanet 34521, MedGen C1863599, MONDO:0011362, OMIM 603689.
Tibial muscular dystrophy (TMD). Also called: Udd Distal Myopathy – Tibial Muscular Dystrophy; Tibial muscular dystrophy, tardive; UDD MYOPATHY. Identifiers: Orphanet 609, MedGen C1838244, MONDO:0010870, OMIM 600334.
Tip-toe gait. Also called: Toe walking. Identifiers: MedGen C0427144, HP:0030051.

Allele frequency attached by ClinVar (database versions not stated): gnomAD 0.00317; 1000 Genomes Project 30x 0.00156; ESP Exome Variant Server 0.00173; 1000 Genomes Project 0.00160; TOPMed 0.00201.
gnomAD v4.1: 4,746 of 1,611,664 alleles (0.29%); highest among the groups gnomAD compares: Non-Finnish European, 0.3%; 14 homozygotes.

Submissions 1 to 19 of 26:

CeGaT Center for Human Genetics Tuebingen
Classification: Likely benign. Last evaluated: 2026-09-01. Review status: criteria provided, single submitter. Criteria: CeGaT Center For Human Genetics Tuebingen Variant Classification Criteria Version 2. Collection method: clinical testing. Allele origin: germline. Affected: yes. Observed: 46 variant alleles.
Comment: TTN: BS2

Labcorp Genetics (formerly Invitae), Labcorp
Classification: Benign for Dilated cardiomyopathy 1G; Autosomal recessive limb-girdle muscular dystrophy type 2J. Last evaluated: 2026-02-04. Review status: criteria provided, single submitter. Criteria: Invitae Variant Classification Sherloc (09022015). Collection method: clinical testing. Allele origin: germline.

Molecular Diagnostic Laboratory for Inherited Cardiovascular Disease, Montreal Heart Institute
Classification: Likely benign. Last evaluated: 2025-04-09. Review status: criteria provided, single submitter. Criteria: ACMG Guidelines, 2015. Collection method: clinical testing. Allele origin: germline. Affected: no.

Laboratory of Genetics, Children's Clinical University Hospital Latvia
Classification: Likely benign. Last evaluated: 2025-02-16. Review status: criteria provided, single submitter. Criteria: ACMG Guidelines, 2015. Collection method: clinical testing. Allele origin: germline. Affected: yes.

Blueprint Genetics
Classification: Likely benign. Last evaluated: 2024-11-26. Review status: criteria provided, single submitter. Criteria: ACMG Guidelines, 2015. Collection method: clinical testing. Allele origin: germline.

Mayo Clinic Laboratories, Mayo Clinic
Classification: Benign. Last evaluated: 2023-07-05. Review status: criteria provided, single submitter. Criteria: ACMG Guidelines, 2015. Collection method: clinical testing. Allele origin: germline. Observed: 6 variant alleles.
Comment: BS1, BS2, BP4

ARUP Laboratories, Molecular Genetics and Genomics, ARUP Laboratories
Classification: Likely benign. Last evaluated: 2021-01-15. Review status: criteria provided, single submitter. Criteria: ARUP Molecular Germline Variant Investigation Process 2021. Collection method: clinical testing. Allele origin: germline.

Women's Health and Genetics/Laboratory Corporation of America, LabCorp
Classification: Benign. Last evaluated: 2020-02-24. Review status: criteria provided, single submitter. Criteria: LabCorp Variant Classification Summary - May 2015. Collection method: clinical testing. Allele origin: germline.
Comment: Variant summary: TTN c.66121G>C (p.Glu22041Gln) results in a conservative amino acid change located in the A-band region of the encoded protein sequence. Four of five in-silico tools predict a benign effect of the variant on protein function. The variant allele was found at a frequency of 0.0032 in 247928 control chromosomes in the gnomAD database, including 1 homozygote. The observed variant frequency is approximately 5-fold of the estimated maximal expected allele frequency for a pathogenic variant in TTN causing Cardiomyopathy phenotype (0.00063), strongly suggesting that the variant is benign. Six ClinVar submitters (evaluation after 2014) cite the variant as benign (n=4) and as uncertain significance (n=2). Based on the evidence outlined above, the variant was classified as benign.

Illumina Laboratory Services, Illumina
Classification: Benign for Myopathy, myofibrillar, 9, with early respiratory failure. Last evaluated: 2018-01-13. Review status: criteria provided, single submitter. Criteria: ICSL Variant Classification Criteria 13 December 2019. Collection method: clinical testing. Allele origin: germline.
Comment: This variant was observed in the ICSL laboratory as part of a predisposition screen in an ostensibly healthy population. It had not been previously curated by ICSL or reported in the Human Gene Mutation Database (HGMD: prior to June 1st, 2018), and was therefore a candidate for classification through an automated scoring system. Utilizing variant allele frequency, disease prevalence and penetrance estimates, and inheritance mode, an automated score was calculated to assess if this variant is too frequent to cause the disease. Based on the score and internal cut-off values, a variant classified as benign is not then subjected to further curation. The score for this variant resulted in a classification of benign for this disease.

Illumina Laboratory Services, Illumina
Classification: Uncertain significance for Early-onset myopathy with fatal cardiomyopathy. Last evaluated: 2018-01-13. Review status: criteria provided, single submitter. Criteria: ICSL Variant Classification Criteria 13 December 2019. Collection method: clinical testing. Allele origin: germline.

Illumina Laboratory Services, Illumina
Classification: Benign for Tibial muscular dystrophy. Last evaluated: 2018-01-13. Review status: criteria provided, single submitter. Criteria: ICSL Variant Classification Criteria 13 December 2019. Collection method: clinical testing. Allele origin: germline.
Comment: the same text as in the submission from Illumina Laboratory Services, Illumina above.

Illumina Laboratory Services, Illumina
Classification: Uncertain significance for Dilated cardiomyopathy 1G. Last evaluated: 2018-01-13. Review status: criteria provided, single submitter. Criteria: ICSL Variant Classification Criteria 13 December 2019. Collection method: clinical testing. Allele origin: germline.

Illumina Laboratory Services, Illumina
Classification: Uncertain significance for Autosomal recessive limb-girdle muscular dystrophy type 2J. Last evaluated: 2018-01-13. Review status: criteria provided, single submitter. Criteria: ICSL Variant Classification Criteria 13 December 2019. Collection method: clinical testing. Allele origin: germline.

CHEO Genetics Diagnostic Laboratory, Children's Hospital of Eastern Ontario
Classification: Benign for Cardiomyopathy. Last evaluated: 2017-10-10. Review status: criteria provided, single submitter. Criteria: ACMG Guidelines, 2015. Collection method: clinical testing. Allele origin: germline. Study: Canadian Open Genetics Repository.

GeneDx
Classification: Benign. Last evaluated: 2017-06-27. Review status: criteria provided, single submitter. Criteria: GeneDx Variant Classification (06012015). Collection method: clinical testing. Allele origin: germline. Affected: yes.
Comment: This variant is considered likely benign or benign based on one or more of the following criteria: it is a conservative change, it occurs at a poorly conserved position in the protein, it is predicted to be benign by multiple in silico algorithms, and/or has population frequency not consistent with disease.

Eurofins Ntd Llc (ga)
Classification: Benign. Last evaluated: 2015-06-24. Review status: criteria provided, single submitter. Criteria: EGL Classification Definitions 2015. Collection method: clinical testing. Allele origin: germline. Observed: 1 variant allele, 1 heterozygote.

Laboratory for Molecular Medicine, Mass General Brigham Personalized Medicine
Classification: Likely benign. Last evaluated: 2014-01-31. Review status: criteria provided, single submitter. Criteria: LMM Criteria. Collection method: clinical testing. Allele origin: germline. Observed: 2 variant alleles.
Comment: Glu22041Gln in exon 275 of TTN: This variant is not expected to have clinical si gnificance because it has been identified in 0.24% (20/8288) of European America n chromosomes by the NHLBI Exome Sequencing Project (u/EVS/) as well as 0.3% (7/2178) of chromosomes tested by the 1000 genomes proje ct (dbSNP rs55762754). Glu22041Gln in exon 275 of TTN (rs55762754; allele fr equency = 0.3%, 7/2178; 1000 Genomes)

Ambry Genetics
Classification: Likely benign for Cardiovascular phenotype. Last evaluated: 2013-10-16. Review status: criteria provided, single submitter. Criteria: Ambry Autosomal Dominant and X-Linked criteria (10/2015). Collection method: clinical testing. Allele origin: germline. Observed: 1 variant allele.

PreventionGenetics, part of Exact Sciences
Classification: Likely benign. Review status: criteria provided, single submitter. Criteria: ACMG Guidelines, 2015. Collection method: clinical testing. Allele origin: germline.

NM_001267550.2(TTN):c.73825G>C (p.Glu24609Gln)

Genes: TTN (titin; minus strand), TTN-AS1 (TTN antisense RNA 1; plus strand). Cytogenetic location: 2q31.2.
Variant type: single nucleotide variant.
Coding change: c.73825G>C on transcript NM_001267550.2 (MANE Select); coding-DNA position 73825, G replaced by C.
Protein change: p.Glu24609Gln; replaces glutamic acid 24609 with glutamine.
Molecular consequence: missense variant.
Genome position (GRCh38, 1-based): chr2:178,572,307, C>G on the plus strand (G>C on the coding strand, the complement: TTN is on the minus strand). VCF-style: chr2-178572307-C-G. GRCh37 (hg19) VCF-style: chr2-179437034-C-G.
Other names: p.E22968Q:GAA>CAA; c.68902G>C, p.Glu22968Gln (NM_001256850.1); c.46630G>C, p.Glu15544Gln (NM_003319.4); c.66121G>C, p.Glu22041Gln (NM_133378.4); c.47005G>C, p.Glu15669Gln (NM_133432.3); c.47206G>C, p.Glu15736Gln (NM_133437.4); short protein forms E24609Q, E22041Q, E22968Q, E15669Q, E15736Q, E15544Q.
Identifiers: ClinVar variation 47322 (VCV000047322.81), dbSNP rs55762754, ClinGen allele CA140683.
Genomic context (GRCh38, chr2:178,572,307, plus strand): 5'-TGACATCCATCAAAGTTATTTTTCCTGGAGGAAGAGGTCGTTCTGATGCTTTCACAGATT[C>G]TGCGGTTTCAGCAGGCAGCCCAATGCCATATTCATTTTCTGCGAGAACCCTGAAATAGTA-3'
Protein context (NP_001254479.2, residues 24599-24619): YGIGLPAETA[Glu24609Gln]SVKASERPLP